The following is an entry in ClinVar:

NM_018418.5(SPATA7):c.1465A>G (p.Thr489Ala)

Gene: SPATA7 (spermatogenesis associated 7; plus strand). Cytogenetic location: 14q31.3.
Variant type: single nucleotide variant.
Coding change: c.1465A>G on transcript NM_018418.5 (MANE Select); coding-DNA position 1465, A replaced by G.
Protein change: p.Thr489Ala; replaces threonine 489 with alanine.
Molecular consequence: missense variant.
Genome position (GRCh38, 1-based): chr14:88,438,087, A>G. VCF-style: chr14-88438087-A-G. GRCh37 (hg19) VCF-style: chr14-88904431-A-G.
Other names: c.1369A>G, p.Thr457Ala (NM_001040428.4); c.1465A>G (NM_018418.4); short protein forms T457A, T489A.
Identifiers: ClinVar variation 1522526 (VCV001522526.6), dbSNP rs372752890, ClinGen allele CA7298815.

ClinVar aggregate classification (germline): Uncertain significance. Review status: criteria provided, multiple submitters, no conflicts (2 of 4 stars). 2 submissions from 2 submitters: Uncertain significance (2). Last evaluated 2025-03-25.

Conditions:
Inborn genetic diseases. Identifiers: MedGen C0950123, MeSH D030342.
Leber congenital amaurosis 3 (LCA3). Also called: SPATA7-Related Retinitis Pigmentosa. Identifiers: MedGen C1858677, MONDO:0011415, OMIM 604232.

Allele frequency attached by ClinVar (database versions not stated): gnomAD exomes 0.00001 and 0.00003; gnomAD 0.00005 and 0.00006; ExAC 0.00006; TOPMed 0.00006; ESP Exome Variant Server 0.00015.
gnomAD v4.1: 19 of 1,614,146 alleles (0.0012%); highest among the groups gnomAD compares: African/African-American, 0.015%; no homozygotes.

Submissions (2):

Ambry Genetics
Classification: Uncertain significance for Inborn genetic diseases. Last evaluated: 2025-03-25. Review status: criteria provided, single submitter. Criteria: Ambry Variant Classification Scheme 2023. Collection method: clinical testing. Allele origin: germline.

Labcorp Genetics (formerly Invitae), Labcorp
Classification: Uncertain significance for Leber congenital amaurosis 3. Last evaluated: 2022-07-05. Review status: criteria provided, single submitter. Criteria: Invitae Variant Classification Sherloc (09022015). Collection method: clinical testing. Allele origin: germline.
Comment: This sequence change replaces threonine, which is neutral and polar, with alanine, which is neutral and non-polar, at codon 489 of the SPATA7 protein (p.Thr489Ala). This variant is present in population databases (rs372752890, gnomAD 0.02%). This variant has not been reported in the literature in individuals affected with SPATA7-related conditions. ClinVar contains an entry for this variant (Variation ID: 1522526). Algorithms developed to predict the effect of missense changes on protein structure and function (SIFT, PolyPhen-2, Align-GVGD) all suggest that this variant is likely to be tolerated. Algorithms developed to predict the effect of sequence changes on RNA splicing suggest that this variant may create or strengthen a splice site. In summary, the available evidence is currently insufficient to determine the role of this variant in disease. Therefore, it has been classified as a Variant of Uncertain Significance.